The following is an entry in ClinVar:

ClinVar aggregate classification (germline): Uncertain significance (1 of 4 stars; one submission).

Conditions:
Bethlem myopathy 1A. Also called: MYOPATHY, BENIGN CONGENITAL, WITH CONTRACTURES; Bethlem myopathy 1; Bethlem Muscular Dystrophy. Identifiers: Orphanet 610, MedGen CN029274, MONDO:0024530, OMIM 158810.

gnomAD v4.1: 1 of 1,614,112 alleles (0.000062%); highest among the groups gnomAD compares: Admixed American, 0.0017%; no homozygotes.

Submission:

Labcorp Genetics (formerly Invitae), Labcorp
Classification: Uncertain significance for Bethlem myopathy 1A. Last evaluated: 2025-11-08. Review status: criteria provided, single submitter. Criteria: Invitae Variant Classification Sherloc (09022015). Collection method: clinical testing. Allele origin: germline.
Comment: This sequence change replaces aspartic acid, which is acidic and polar, with glycine, which is neutral and non-polar, at codon 181 of the COL6A3 protein (p.Asp181Gly). This variant is not present in population databases (gnomAD no frequency). This variant has not been reported in the literature in individuals affected with COL6A3-related conditions. Invitae Evidence Modeling of protein sequence and biophysical properties (such as structural, functional, and spatial information, amino acid conservation, physicochemical variation, residue mobility, and thermodynamic stability) indicates that this missense variant is not expected to disrupt COL6A3 protein function with a negative predictive value of 95%. In summary, the available evidence is currently insufficient to determine the role of this variant in disease. Therefore, it has been classified as a Variant of Uncertain Significance.

NM_004369.4(COL6A3):c.542A>G (p.Asp181Gly)

Gene: COL6A3 (collagen type VI alpha 3 chain; minus strand). Cytogenetic location: 2q37.3.
Variant type: single nucleotide variant.
Coding change: c.542A>G on transcript NM_004369.4 (MANE Select); coding-DNA position 542, A replaced by G.
Protein change: p.Asp181Gly; replaces aspartic acid 181 with glycine.
Molecular consequence: missense variant. On other transcripts: intron variant (4).
Genome position (GRCh38, 1-based): chr2:237,394,754, T>C on the plus strand (A>G on the coding strand, the complement: COL6A3 is on the minus strand). VCF-style: chr2-237394754-T-C. GRCh37 (hg19) VCF-style: chr2-238303397-T-C.
Other names: c.91+1973A>G (NM_057166.5, NM_057167.4, NM_057164.5 and 1 more transcripts); short protein forms D181G.
Identifiers: ClinVar variation 4738025 (VCV004738025.1).